The following is an entry in ClinVar:

NM_001943.5(DSG2):c.2666C>T (p.Pro889Leu)

Genes: DSG2 (desmoglein 2; plus strand), DSG2-AS1 (DSG2 antisense RNA 1; minus strand). Cytogenetic location: 18q12.1.
Variant type: single nucleotide variant.
Coding change: c.2666C>T on transcript NM_001943.5 (MANE Select); coding-DNA position 2666, C replaced by T.
Protein change: p.Pro889Leu; replaces proline 889 with leucine.
Molecular consequence: missense variant.
Genome position (GRCh38, 1-based): chr18:31,546,052, C>T. VCF-style: chr18-31546052-C-T. GRCh37 (hg19) VCF-style: chr18-29126015-C-T.
Other names: short protein forms P889L.
Identifiers: ClinVar variation 1172308 (VCV001172308.5), dbSNP rs2144359792, ClinGen allele CA402145976.

ClinVar aggregate classification (germline): Uncertain significance. Review status: criteria provided, multiple submitters, no conflicts (2 of 4 stars). 2 submissions from 2 submitters: Uncertain significance (2). Last evaluated 2024-06-04.

Conditions:
Arrhythmogenic right ventricular dysplasia 10. Also called: Arrhythmogenic right ventricular dysplasia/cardiomyopathy, type 10; ARRHYTHMOGENIC RIGHT VENTRICULAR DYSPLASIA, FAMILIAL, 10; Arrhythmogenic Right Ventricular Dysplasia/Cardiomyopathy10. Identifiers: MedGen C1857777, MONDO:0012434, OMIM 610193.
Cardiomyopathy (CMYO). Also called: Cardiomyopathies. Identifiers: Orphanet 167848, MedGen C0878544, MONDO:0004994, HP:0001638. Inheritance: Various modes of inheritance.

Submissions (2):

Labcorp Genetics (formerly Invitae), Labcorp
Classification: Uncertain significance for Arrhythmogenic right ventricular dysplasia 10. Last evaluated: 2024-06-04. Review status: criteria provided, single submitter. Criteria: Invitae Variant Classification Sherloc (09022015). Collection method: clinical testing. Allele origin: germline.
Comment: This sequence change replaces proline, which is neutral and non-polar, with leucine, which is neutral and non-polar, at codon 889 of the DSG2 protein (p.Pro889Leu). This variant is not present in population databases (gnomAD no frequency). This variant has not been reported in the literature in individuals affected with DSG2-related conditions. ClinVar contains an entry for this variant (Variation ID: 1172308). Advanced modeling of protein sequence and biophysical properties (such as structural, functional, and spatial information, amino acid conservation, physicochemical variation, residue mobility, and thermodynamic stability) performed at Invitae indicates that this missense variant is not expected to disrupt DSG2 protein function with a negative predictive value of 95%. In summary, the available evidence is currently insufficient to determine the role of this variant in disease. Therefore, it has been classified as a Variant of Uncertain Significance.

Color Diagnostics, LLC DBA Color Health
Classification: Uncertain significance for Cardiomyopathy. Last evaluated: 2024-03-06. Review status: criteria provided, single submitter. Criteria: ACMG Guidelines, 2015. Collection method: clinical testing. Allele origin: germline.
Comment: This missense variant replaces proline with leucine at codon 889 of the DSG2 protein. Computational prediction suggests that this variant may not impact protein structure and function (internally defined REVEL score threshold <= 0.5, PMID: 27666373). To our knowledge, functional studies have not been reported for this variant. This variant has not been reported in individuals affected with cardiovascular disorders in the literature. This variant has not been identified in the general population by the Genome Aggregation Database (gnomAD). The available evidence is insufficient to determine the role of this variant in disease conclusively. Therefore, this variant is classified as a Variant of Uncertain Significance.